The following is an entry in ClinVar:

NM_001142966.3(GREB1L):c.988C>G (p.Arg330Gly)

Genes: GREB1L (GREB1 like retinoic acid receptor coactivator; plus strand), GREB1L-AS1 (GREB1L antisense RNA 1; minus strand). Cytogenetic location: 18q11.1.
Variant type: single nucleotide variant.
Coding change: c.988C>G on transcript NM_001142966.3 (MANE Select); coding-DNA position 988, C replaced by G.
Protein change: p.Arg330Gly; replaces arginine 330 with glycine.
Molecular consequence: missense variant.
Genome position (GRCh38, 1-based): chr18:21,440,307, C>G. VCF-style: chr18-21440307-C-G. GRCh37 (hg19) VCF-style: chr18-19020268-C-G.
Other names: c.1117C>G, p.Arg373Gly (NM_001410867.1); c.988C>G, p.Arg330Gly (NM_001410868.1); short protein forms R330G, R373G.
Identifiers: ClinVar variation 3903066 (VCV003903066.2).
Genomic context (GRCh38, chr18:21,440,307, plus strand): 5'-TTGTTTTTTTGTTTGTCTTCAGCTACCATGTTCATTTCTGGGCCACCAAAGAAACGACAC[C>G]GGGGATGGTATCCTGGGTCACCTCTCCCCCAACCTGGCTTAGTTGTACCTGTCCCTACAG-3'
Protein context (NP_001136438.1, residues 320-340): FISGPPKKRH[Arg330Gly]GWYPGSPLPQ

ClinVar aggregate classification (germline): Uncertain significance (1 of 4 stars; one submission).

gnomAD v4.1: 5 of 1,551,592 alleles (0.00032%); highest among the groups gnomAD compares: Non-Finnish European, 0.00044%; no homozygotes.

Submission:

GeneDx
Classification: Uncertain significance. Last evaluated: 2026-07-08. Review status: criteria provided, single submitter. Criteria: GeneDx Variant Classification Process June 2021. Collection method: clinical testing. Allele origin: germline.
Comment: Not observed at significant frequency in large population cohorts (gnomAD); In silico analysis supports that this missense variant has a deleterious effect on protein structure/function; Has not been previously published as pathogenic or benign to our knowledge